The following continues an entry in ClinVar:

NM_000059.4(BRCA2):c.9196C>T (p.Gln3066Ter)

Gene: BRCA2. ClinVar aggregate classification (germline): Pathogenic. Pathogenic (1).

Submissions 10 to 26 of 26:

Quest Diagnostics Nichols Institute San Juan Capistrano
Classification: Pathogenic. Last evaluated: 2023-05-16. Review status: criteria provided, single submitter. Criteria: Quest Diagnostics criteria. Collection method: clinical testing. Allele origin: unknown. Not counted in ClinVar's aggregate classification.
Comment: This variant causes the premature termination of BRCA2 protein synthesis. In the published literature, this variant has been reported in individuals with breast/ovarian cancer, and male breast cancer (PMIDs: 30322717 (2018), 29433453 (2018), 25452441 (2015), 24504028 (2014), 18042939 (2007)). Additionally, this variant has been reported in compound heterozygous individuals with Fanconi anemia (PMIDs: 16825431 (2007), 14559878 (2003)). This variant has not been reported in large, multi-ethnic general populations (Genome Aggregation Database). Based on the available information, this variant is classified as pathogenic.

National Health Laboratory Service, Universitas Academic Hospital and University of the Free State
Classification: Pathogenic for Hereditary breast ovarian cancer syndrome. Last evaluated: 2022-04-19. Review status: criteria provided, single submitter. Criteria: ACMG Guidelines, 2015. Collection method: clinical testing. Allele origin: germline. Affected: yes. Observed: 1 variant allele. Not counted in ClinVar's aggregate classification.

GeneDx
Classification: Pathogenic. Last evaluated: 2021-12-16. Review status: criteria provided, single submitter. Criteria: GeneDx Variant Classification Process June 2021. Collection method: clinical testing. Allele origin: germline. Affected: yes. Not counted in ClinVar's aggregate classification.
Comment: Nonsense variant predicted to result in protein truncation or nonsense mediated decay in a gene for which loss-of-function is a known mechanism of disease; Observed in the heterozygous state in multiple individuals with a personal or family history consistent with pathogenic variants in this gene (Tai et al., 2007; Fackenthal et al., 2012; Cunningham et al., 2014; Couch et al., 2015; Eccles et al., 2016); Not observed at significant frequency in large population cohorts (Lek et al., 2016); Truncating variants in this gene are considered pathogenic by a well-established clinical consortium and/or database; Also known as 9424C>T; This variant is associated with the following publications: (PMID: 28152038, 25452441, 24504028, 21702907, 24301060, 16825431, 22034289, 18042939, 15689453, 24259538, 26064523, 14559878, 26724258, 26708042, 26681682, 29433453, 29446198, 30322717, 30787465, 25525159, 32885271)

Women's Health and Genetics/Laboratory Corporation of America, LabCorp
Classification: Pathogenic for Hereditary breast and ovarian cancer syndrome. Last evaluated: 2020-09-21. Review status: criteria provided, single submitter. Criteria: LabCorp Variant Classification Summary - May 2015. Collection method: clinical testing. Allele origin: germline. Not counted in ClinVar's aggregate classification.
Comment: Variant summary: BRCA2 c.9196C>T (p.Gln3066X) results in a premature termination codon, predicted to cause a truncation of the encoded protein or absence of the protein due to nonsense mediated decay, which are commonly known mechanisms for disease. Truncations downstream of this position have been classified as pathogenic by our laboratory. The variant was absent in 251286 control chromosomes. c.9196C>T has been widely reported in the literature in multiple individuals affected with Hereditary Breast And Ovarian Cancer Syndrome and subsequently cited by others (example Rebbeck_2018, a comprehensive collection of reported cases identified in the CIMBA database). These data indicate that the variant is very likely to be associated with disease. Eleven clinical diagnostic laboratories and one expert panel (ENIGMA) have submitted clinical-significance assessments for this variant to ClinVar after 2014 without evidence for independent evaluation. All laboratories classified the variant as pathogenic. Based on the evidence outlined above, the variant was classified as pathogenic.

Department of Molecular Diagnostics, Institute of Oncology Ljubljana
Classification: Pathogenic for Breast-ovarian cancer, familial, susceptibility to, 1. Last evaluated: 2020-04-02. Review status: criteria provided, single submitter. Criteria: ACMG Guidelines, 2015. Collection method: clinical testing. Allele origin: germline. Affected: yes. Not counted in ClinVar's aggregate classification.

Cambridge Genomics Laboratory, East Genomic Laboratory Hub, NHS Genomic Medicine Service
Classification: Pathogenic for Cancer or benign tumor. Last evaluated: 2019-09-03. Review status: criteria provided, single submitter. Criteria: ACGS Best Practice Guidelines for Variant Classification in Rare Disease 2020. Collection method: clinical testing. Allele origin: germline. Affected: yes. Observed: 1 variant allele. Not counted in ClinVar's aggregate classification.

ARUP Laboratories, Molecular Genetics and Genomics, ARUP Laboratories
Classification: Pathogenic. Last evaluated: 2018-06-14. Review status: criteria provided, single submitter. Criteria: ARUP Molecular Germline Variant Investigation Process. Collection method: clinical testing. Allele origin: germline. Not counted in ClinVar's aggregate classification.
Comment: The BRCA2 c.9196C>T; p.Gln3066Ter variant (rs80359180), also known as c.9424C>T, has been described in individuals with breast cancer, ovarian cancer, and Fanconi anemia (Alter 2007, Cunningham 2014, Fackenthal 2012, Offit 2003, Song 2014). It is reported as pathogenic by several laboratories in ClinVar (Variation ID: 9347) and is absent from general population databases (1000 Genomes Project, Exome Variant Server, and Genome Aggregation Database), indicating it is not a common polymorphism. This variant induces an early termination codon and is predicted to result in a truncated protein or mRNA subject to nonsense-mediated decay. Based on available information, this variant is considered pathogenic. References: Alter B et al. Clinical and molecular features associated with biallelic mutations in FANCD1/BRCA2. J Med Genet. 2007 Jan;44(1):1-9. Cunningham J et al. Clinical characteristics of ovarian cancer classified by BRCA1, BRCA2, and RAD51C status. Sci Rep. 2014 Feb 7;4:4026. Fackenthal J et al. High prevalence of BRCA1 and BRCA2 mutations in unselected Nigerian breast cancer patients. Int J Cancer. 2012 Sep 1;131(5):1114-23. Offit K et al. Shared genetic susceptibility to breast cancer, brain tumors, and Fanconi anemia. J Natl Cancer Inst. 2003 Oct 15;95(20):1548-51. Song H et al. The contribution of deleterious germline mutations in BRCA1, BRCA2 and the mismatch repair genes to ovarian cancer in the population. Hum Mol Genet. 2014 Sep 1;23(17):4703-9.

Laboratory for Molecular Medicine, Mass General Brigham Personalized Medicine
Classification: Pathogenic for Hereditary breast ovarian cancer syndrome. Last evaluated: 2018-05-08. Review status: criteria provided, single submitter. Criteria: LMM Criteria. Collection method: clinical testing. Allele origin: germline. Observed: 2 variant alleles. Not counted in ClinVar's aggregate classification.
Comment: The p.Gln3066X variant in BRCA2 has been reported >10 individuals with BRCA2-ass ociated cancers and in 2 individuals with Fanconi anemia have had a second BRCA2 pathogenic variant (Offit 2003, Alter 2007, Tai 2007, Fackenthal 2012, Cunningh am 2014, Song 2014, Couch 2015, Eccles 2016, Breast Cancer Information Core (BIC )). It was also absent from large population studies. This nonsense variant lead s to a premature termination codon at position 3066, which is predicted to lead to a truncated or absent protein. Heterozygous loss of function of the BRCA2 gen e is an established disease mechanism in hereditary breast and ovarian cancer (H BOC). In addition, this variant was classified as Pathogenic by the ClinGen-appr oved ENIGMA expert panel (ClinVar SCV000282469.1). In summary, this variant meet s criteria to be classified as pathogenic for HBOC in an autosomal dominant mann er. ACMG/Amp Criteria Applied: PVS1, PS4, PM2.

CHEO Genetics Diagnostic Laboratory, Children's Hospital of Eastern Ontario
Classification: Pathogenic for Hereditary breast ovarian cancer syndrome. Last evaluated: 2017-04-01. Review status: criteria provided, single submitter. Criteria: ACMG Guidelines, 2015. Collection method: clinical testing. Allele origin: germline. Study: The Canadian Open Genetics Repository (COGR). Not counted in ClinVar's aggregate classification.

University of Washington Department of Laboratory Medicine, University of Washington
Classification: Pathogenic for Breast-ovarian cancer, familial, susceptibility to, 1. Last evaluated: 2015-11-20. Review status: criteria provided, single submitter. Criteria: Shirts et al. (Genet Med 2016). Collection method: clinical testing. Allele origin: germline. Affected: no. Observed: 1 variant allele. Not counted in ClinVar's aggregate classification.

Consortium of Investigators of Modifiers of BRCA1/2 (CIMBA), c/o University of Cambridge
Classification: Pathogenic for Breast-ovarian cancer, familial, susceptibility to, 2. Last evaluated: 2015-10-02. Review status: criteria provided, single submitter. Criteria: CIMBA Mutation Classification guidelines May 2016. Collection method: clinical testing. Allele origin: germline. Not counted in ClinVar's aggregate classification.

Counsyl
Classification: Pathogenic for Breast-ovarian cancer, familial, susceptibility to, 2. Last evaluated: 2015-07-13. Review status: no assertion criteria provided. Collection method: clinical testing. Allele origin: unknown. Not counted in ClinVar's aggregate classification.

Research Molecular Genetics Laboratory, Women's College Hospital, University of Toronto
Classification: Pathogenic for Hereditary breast ovarian cancer syndrome. Last evaluated: 2014-01-31. Review status: no assertion criteria provided. Collection method: research. Allele origin: germline. Affected: yes. Study: The Canadian Open Genetics Repository (COGR). Not counted in ClinVar's aggregate classification.

Sharing Clinical Reports Project (SCRP)
Classification: Pathogenic for Breast-ovarian cancer, familial 2. Last evaluated: 2012-10-26. Review status: no assertion criteria provided. Collection method: clinical testing. Allele origin: germline. Not counted in ClinVar's aggregate classification.

OMIM
Classification: Pathogenic for FANCONI ANEMIA, COMPLEMENTATION GROUP D1. Last evaluated: 2007-01-01. Review status: no assertion criteria provided. Collection method: literature only. Allele origin: germline. Not counted in ClinVar's aggregate classification.

Breast Cancer Information Core (BIC) (BRCA2)
Classification: Pathogenic for Breast-ovarian cancer, familial 2. Last evaluated: 2002-05-29. Review status: no assertion criteria provided. Collection method: clinical testing. Allele origin: germline. Affected: yes. Observed: 5 variant alleles. Not counted in ClinVar's aggregate classification.

Department of Pathology and Laboratory Medicine, Sinai Health System
Classification: Pathogenic for Malignant tumor of breast. Review status: no assertion criteria provided. Collection method: clinical testing. Allele origin: unknown. Affected: yes. Observed: 2 variant alleles. Study: The Canadian Open Genetics Repository (COGR). Not counted in ClinVar's aggregate classification.
Comment: The variant was also identified in dbSNP (ID: rs80359180) as With Pathogenic, Uncertain significance allele, ClinVar (classified as pathogenic by Ambry Genetics, OMIM, SCRP, BIC), Clinvitae (classified as pathogenic by ClinVar), BIC Database (5X with clinical importance), ARUP Laboratories (as definitely pathogenic), databases. The variant was not identified in Genesight-COGR, LOVD 3.0, UMD-LSDB, Zhejiang Colon Cancer Database, databases. The variant was not identified in the 1000 Genomes Project, the NHLBI GO Exome Sequencing Project or the Exome Aggregation Consortium (August 8th 2016) control databases. The p.Gln3066X variant leads to a premature stop codon at position 3066, which is predicted to lead to a truncated or absent protein and loss of function. Loss of function variants of the BRCA2 gene are an established mechanism of disease in hereditary breast and ovarian cancer and is the type of variant expected to cause the disorder. In summary, based on the above information, this variant meets our laboratoryâ€šÃ„Ã´s criteria to be classified as pathogenic.

Literature cited by the submitters: PubMed 20104584 (cited by Labcorp Genetics (formerly Invitae), Labcorp); PubMed 14559878 (cited by 8 submitters); PubMed 16825431 (cited by 6 submitters); PubMed 24504028 (cited by 8 submitters); PubMed 24728189 (cited by 4 submitters); PubMed 26681682 (cited by 5 submitters); PubMed 26845104 (cited by 4 submitters); PubMed 18042939 (cited by 4 submitters); PubMed 22034289 (cited by 5 submitters); PubMed 22762150 (cited by Mayo Clinic Laboratories, Mayo Clinic and Counsyl); PubMed 36721989 (cited by Mayo Clinic Laboratories, Mayo Clinic); PubMed 25452441 (cited by 6 submitters); PubMed 26724258 (cited by 3 submitters); PubMed 17592676 (cited by 3 submitters); PubMed 30322717 (cited by Quest Diagnostics Nichols Institute San Juan Capistrano); PubMed 29433453 (cited by Quest Diagnostics Nichols Institute San Juan Capistrano); PubMed 26295337 (cited by Quest Diagnostics Nichols Institute San Juan Capistrano); PubMed 29446198 (cited by Women's Health and Genetics/Laboratory Corporation of America, LabCorp); PubMed 21702907 (cited by Counsyl).